The following is an entry in ClinVar:

NM_016333.4(SRRM2):c.5233C>T (p.Arg1745Trp)

Gene: SRRM2 (serine/arginine repetitive matrix 2; plus strand). Cytogenetic location: 16p13.3.
Variant type: single nucleotide variant.
Coding change: c.5233C>T on transcript NM_016333.4 (MANE Select); coding-DNA position 5233, C replaced by T.
Protein change: p.Arg1745Trp; replaces arginine 1745 with tryptophan.
Molecular consequence: missense variant.
Genome position (GRCh38, 1-based): chr16:2,765,761, C>T. VCF-style: chr16-2765761-C-T. GRCh37 (hg19) VCF-style: chr16-2815762-C-T.
Other names: short protein forms R1745W.
Identifiers: ClinVar variation 4534686 (VCV004534686.6).

ClinVar aggregate classification (germline): Likely benign (1 of 4 stars; one submission).

gnomAD v4.1: 25 of 1,614,016 alleles (0.0015%); highest among the groups gnomAD compares: Middle Eastern, 0.016%; 1 homozygote.

Submission:

CeGaT Center for Human Genetics Tuebingen
Classification: Likely benign. Last evaluated: 2025-11-01. Review status: criteria provided, single submitter. Criteria: CeGaT Center For Human Genetics Tuebingen Variant Classification Criteria Version 2. Collection method: clinical testing. Allele origin: germline. Affected: yes. Observed: 1 variant allele.
Comment: SRRM2: BS2